The following is an entry in ClinVar:

ClinVar aggregate classification (germline): Uncertain significance (1 of 4 stars; one submission).

Conditions:
Hereditary cancer-predisposing syndrome. Also called: Neoplastic Syndromes, Hereditary; Tumor predisposition; Hereditary Cancer Syndrome; Hereditary neoplastic syndrome. Identifiers: Orphanet 140162, MedGen C0027672, MeSH D009386, MONDO:0015356.

Allele frequency attached by ClinVar (database versions not stated): gnomAD exomes below 0.00001.
gnomAD v4.1: 1 of 1,614,180 alleles (0.000062%); highest among the groups gnomAD compares: African/African-American, 0.0013%; no homozygotes.

Submission:

Ambry Genetics
Classification: Uncertain significance for Hereditary cancer-predisposing syndrome. Last evaluated: 2021-10-05. Review status: criteria provided, single submitter. Criteria: Ambry Variant Classification Scheme 2023. Collection method: clinical testing. Allele origin: germline.
Comment: The p.K721N variant (also known as c.2163A>T), located in coding exon 13 of the DICER1 gene, results from an A to T substitution at nucleotide position 2163. The lysine at codon 721 is replaced by asparagine, an amino acid with similar properties. This amino acid position is highly conserved in available vertebrate species. In addition, this alteration is predicted to be tolerated by in silico analysis. Since supporting evidence is limited at this time, the clinical significance of this alteration remains unclear.

NM_177438.3(DICER1):c.2163A>T (p.Lys721Asn)

Gene: DICER1 (dicer 1, ribonuclease III; minus strand). Cytogenetic location: 14q32.13.
Variant type: single nucleotide variant.
Coding change: c.2163A>T on transcript NM_177438.3 (MANE Select); coding-DNA position 2163, A replaced by T.
Protein change: p.Lys721Asn; replaces lysine 721 with asparagine.
Molecular consequence: missense variant. On other transcripts: non-coding transcript variant (6).
Genome position (GRCh38, 1-based): chr14:95,111,410, T>A on the plus strand (A>T on the coding strand, the complement: DICER1 is on the minus strand). VCF-style: chr14-95111410-T-A. GRCh37 (hg19) VCF-style: chr14-95577747-T-A.
Other names: c.2163A>T, p.Lys721Asn (NM_001195573.1, NM_001271282.3, NM_001291628.2 and 13 more transcripts); c.1881A>T, p.Lys627Asn (NM_001395686.1); c.1758A>T, p.Lys586Asn (NM_001395687.1, NM_001395688.1, NM_001395689.1 and 3 more transcripts); c.1596A>T, p.Lys532Asn (NM_001395691.1); c.480A>T, p.Lys160Asn (NM_001395697.1); short protein forms K627N, K721N, K586N, K160N, K532N.
Identifiers: ClinVar variation 1786944 (VCV001786944.2), dbSNP rs1595391339, ClinGen allele CA390882776.